The following is an entry in ClinVar:

NM_017617.5(NOTCH1):c.2740+12C>T

Gene: NOTCH1 (notch receptor 1; minus strand). Cytogenetic location: 9q34.3.
Variant type: single nucleotide variant.
Coding change: c.2740+12C>T on transcript NM_017617.5 (MANE Select); 12 bases into the intron after coding-DNA position 2740, C replaced by T.
Molecular consequence: intron variant.
Genome position (GRCh38, 1-based): chr9:136,510,641, G>A on the plus strand (C>T on the coding strand, the complement: NOTCH1 is on the minus strand). VCF-style: chr9-136510641-G-A. GRCh37 (hg19) VCF-style: chr9-139405093-G-A.
Other names: c.2740+12C>T (LRG_1122t1, NM_017617.4).
Identifiers: ClinVar variation 286143 (VCV000286143.24), dbSNP rs36119806, ClinGen allele CA5341184.

ClinVar aggregate classification (germline): Benign. Review status: criteria provided, multiple submitters, no conflicts (2 of 4 stars). 11 submissions from 10 submitters: Benign (8). 3 of the submissions do not count toward it. Last evaluated 2026-02-04.

Conditions:
Adams-Oliver syndrome 5 (AOS5). Identifiers: Orphanet 974, MedGen C4014970, MONDO:0014459, OMIM 616028.
Aortic valve disease 1 (AOVD1). Identifiers: MedGen C3887892, MONDO:0024523, OMIM 109730.

Allele frequency attached by ClinVar (database versions not stated): 1000 Genomes Project 0.10763; 1000 Genomes Project 30x 0.10868; TOPMed 0.11359; gnomAD 0.11457; ESP Exome Variant Server 0.11814.
gnomAD v4.1: 175,479 of 1,600,820 alleles (11%); highest among the groups gnomAD compares: South Asian, 19%; 10,533 homozygotes.

Submissions (11):

Labcorp Genetics (formerly Invitae), Labcorp
Classification: Benign for Adams-Oliver syndrome 5. Last evaluated: 2026-02-04. Review status: criteria provided, single submitter. Criteria: Invitae Variant Classification Sherloc (09022015). Collection method: clinical testing. Allele origin: germline.

Blueprint Genetics
Classification: Benign. Last evaluated: 2024-11-27. Review status: criteria provided, single submitter. Criteria: ACMG Guidelines, 2015. Collection method: clinical testing. Allele origin: germline.

Women's Health and Genetics/Laboratory Corporation of America, LabCorp
Classification: Benign. Last evaluated: 2023-04-10. Review status: criteria provided, single submitter. Criteria: LabCorp Variant Classification Summary - May 2015. Collection method: clinical testing. Allele origin: germline.

Genome-Nilou Lab
Classification: Benign for Adams-Oliver syndrome 5. Last evaluated: 2021-09-05. Review status: criteria provided, single submitter. Criteria: ACMG Guidelines, 2015. Collection method: clinical testing. Allele origin: germline. Affected: no.

Genome-Nilou Lab
Classification: Benign for Aortic valve disease 1. Last evaluated: 2021-09-05. Review status: criteria provided, single submitter. Criteria: ACMG Guidelines, 2015. Collection method: clinical testing. Allele origin: germline. Affected: no.

GeneDx
Classification: Benign. Last evaluated: 2016-09-27. Review status: criteria provided, single submitter. Criteria: GeneDx Variant Classification (06012015). Collection method: clinical testing. Allele origin: germline. Affected: yes.
Comment: This variant is considered likely benign or benign based on one or more of the following criteria: it is a conservative change, it occurs at a poorly conserved position in the protein, it is predicted to be benign by multiple in silico algorithms, and/or has population frequency not consistent with disease.

Eurofins Ntd Llc (ga)
Classification: Benign. Last evaluated: 2016-02-05. Review status: criteria provided, single submitter. Criteria: EGL Classification Definitions 2015. Collection method: clinical testing. Allele origin: germline. Observed: 10 variant alleles, 8 heterozygotes, 2 homozygotes.

Breakthrough Genomics
Classification: Benign. Review status: criteria provided, single submitter. Criteria: ACMG Guidelines, 2015. Collection method: not provided. Allele origin: germline. Inheritance: Autosomal dominant inheritance. Affected: yes.

Clinical Genetics, Academic Medical Center
Classification: Benign. Review status: no assertion criteria provided. Collection method: clinical testing. Allele origin: germline. Affected: yes. Study: VKGL Data-share Consensus. Not counted in ClinVar's aggregate classification.

Genome Diagnostics Laboratory, Amsterdam University Medical Center
Classification: Benign. Review status: no assertion criteria provided. Collection method: clinical testing. Allele origin: germline. Affected: yes. Study: VKGL Data-share Consensus. Not counted in ClinVar's aggregate classification.

Joint Genome Diagnostic Labs from Nijmegen and Maastricht, Radboudumc and MUMC+
Classification: Benign. Review status: no assertion criteria provided. Collection method: clinical testing. Allele origin: germline. Affected: yes. Study: VKGL Data-share Consensus. Not counted in ClinVar's aggregate classification.

Literature cited by the submitters: PubMed 16614245 (cited by Women's Health and Genetics/Laboratory Corporation of America, LabCorp); PubMed 19635999 (cited by Women's Health and Genetics/Laboratory Corporation of America, LabCorp); PubMed 19245433 (cited by Women's Health and Genetics/Laboratory Corporation of America, LabCorp); PubMed 22858860 (cited by Women's Health and Genetics/Laboratory Corporation of America, LabCorp).